The following is an entry in ClinVar:

NM_017514.5(PLXNA3):c.861G>A (p.Val287=)

Gene: PLXNA3 (plexin A3; plus strand). Cytogenetic location: Xq28.
Variant type: single nucleotide variant.
Coding change: c.861G>A on transcript NM_017514.5 (MANE Select); coding-DNA position 861, G replaced by A.
Protein change: p.Val287=; no amino-acid change (valine 287 retained).
Molecular consequence: synonymous variant.
Genome position (GRCh38, 1-based): chrX:154,461,365, G>A. VCF-style: chrX-154461365-G-A. GRCh37 (hg19) VCF-style: chrX-153689705-G-A.
Identifiers: ClinVar variation 3349793 (VCV003349793.1).

ClinVar aggregate classification (germline): Likely benign (0 of 4 stars; one submission).

Conditions:
PLXNA3-related disorder. Also called: PLXNA3-related condition.

gnomAD v4.1: 2 of 1,211,237 alleles (0.00017%); highest among the groups gnomAD compares: African/African-American, 0.0035%; no homozygotes.

Submission:

PreventionGenetics, part of Exact Sciences
Classification: Likely benign for PLXNA3-related condition. Last evaluated: 2024-03-25. Review status: no assertion criteria provided. Collection method: clinical testing. Allele origin: germline.
Comment: This variant is classified as likely benign based on ACMG/AMP sequence variant interpretation guidelines (Richards et al. 2015 PMID: 25741868, with internal and published modifications).